The following is an entry in ClinVar:

NM_001270508.2(TNFAIP3):c.97A>G (p.Thr33Ala)

Gene: TNFAIP3 (TNF alpha induced protein 3; plus strand). Cytogenetic location: 6q23.3.
Variant type: single nucleotide variant.
Coding change: c.97A>G on transcript NM_001270508.2 (MANE Select); coding-DNA position 97, A replaced by G.
Protein change: p.Thr33Ala; replaces threonine 33 with alanine.
Molecular consequence: missense variant.
Genome position (GRCh38, 1-based): chr6:137,871,324, A>G. VCF-style: chr6-137871324-A-G. GRCh37 (hg19) VCF-style: chr6-138192461-A-G.
Other names: c.97A>G, p.Thr33Ala (NM_001270507.2, NM_006290.4); short protein forms T33A.
Identifiers: ClinVar variation 4797975 (VCV004797975.1).
Genomic context (GRCh38, chr6:137,871,324, plus strand): 5'-AGCAATATGCGGAAAGCTGTGAAGATACGGGAGAGAACTCCAGAAGACATTTTTAAACCT[A>G]CTAATGGGATCATTCATCATTTTAAAACCATGCACCGATACACACTGGAAATGTTCAGAA-3'
Protein context (NP_001257437.1, residues 23-43): ERTPEDIFKP[Thr33Ala]NGIIHHFKTM

ClinVar aggregate classification (germline): Uncertain significance (1 of 4 stars; one submission).

gnomAD v4.1: 1 of 1,614,168 alleles (0.000062%); highest among the groups gnomAD compares: Non-Finnish European, 0.000085%; no homozygotes.

Submission:

Labcorp Genetics (formerly Invitae), Labcorp
Classification: Uncertain significance. Last evaluated: 2025-08-24. Review status: criteria provided, single submitter. Criteria: Invitae Variant Classification Sherloc (09022015). Collection method: clinical testing. Allele origin: germline.
Comment: This sequence change replaces threonine, which is neutral and polar, with alanine, which is neutral and non-polar, at codon 33 of the TNFAIP3 protein (p.Thr33Ala). This variant is present in population databases (rs746536779, gnomAD 0.0009%). This variant has not been reported in the literature in individuals affected with TNFAIP3-related conditions. An algorithm developed to predict the effect of missense changes on protein structure and function outputs the following: PolyPhen-2: "Benign". The alanine amino acid residue is found in multiple mammalian species, which suggests that this missense change does not adversely affect protein function. In summary, the available evidence is currently insufficient to determine the role of this variant in disease. Therefore, it has been classified as a Variant of Uncertain Significance.